The following is an entry in ClinVar:

NM_001384474.1(LOXHD1):c.2686G>A (p.Val896Met)

Gene: LOXHD1 (lipoxygenase homology PLAT domains 1; minus strand). Cytogenetic location: 18q21.1.
Variant type: single nucleotide variant.
Coding change: c.2686G>A on transcript NM_001384474.1 (MANE Select); coding-DNA position 2686, G replaced by A.
Protein change: p.Val896Met; replaces valine 896 with methionine.
Molecular consequence: missense variant.
Genome position (GRCh38, 1-based): chr18:46,560,458, C>T on the plus strand (G>A on the coding strand, the complement: LOXHD1 is on the minus strand). VCF-style: chr18-46560458-C-T. GRCh37 (hg19) VCF-style: chr18-44140421-C-T.
Other names: c.2686G>A, p.Val896Met (NM_144612.7); c.2686G>A (NM_144612.6); short protein forms V896M.
Identifiers: ClinVar variation 3025044 (VCV003025044.24), dbSNP rs1010276992, ClinGen allele CA299794555.
Genomic context (GRCh38, chr18:46,560,458, plus strand): 5'-TCCGGGCCTCCTCCTCCGGCGTGAGGTCCACCTCCCGCACCACCAGGTGCCGCAGCCACA[C>T]GGTGTCCACGAACCAGCTGGGCCCAAAGCCCTCGCCCGTGTGCCCGAGCCGGAGCTTATA-3'
Protein context (NP_001371403.1, residues 886-906): GFGPSWFVDT[Val896Met]WLRHLVVREV

ClinVar aggregate classification (germline): Uncertain significance. Review status: criteria provided, multiple submitters, no conflicts (2 of 4 stars). 3 submissions from 3 submitters: Uncertain significance (3). Last evaluated 2025-08-22.

Conditions:
Inborn genetic diseases. Identifiers: MedGen C0950123, MeSH D030342.

Allele frequency attached by ClinVar (database versions not stated): gnomAD 0.00001; TOPMed 0.00002.
gnomAD v4.1: 21 of 1,542,342 alleles (0.0014%); highest among the groups gnomAD compares: Middle Eastern, 0.017%; no homozygotes.

Submissions (3):

Ambry Genetics
Classification: Uncertain significance for Inborn genetic diseases. Last evaluated: 2025-08-22. Review status: criteria provided, single submitter. Criteria: Ambry Variant Classification Scheme 2023. Collection method: clinical testing. Allele origin: germline.

Blueprint Genetics
Classification: Uncertain significance. Last evaluated: 2024-11-01. Review status: criteria provided, single submitter. Criteria: ACMG Guidelines, 2015. Collection method: clinical testing. Allele origin: germline.

CeGaT Center for Human Genetics Tuebingen
Classification: Uncertain significance. Last evaluated: 2024-02-01. Review status: criteria provided, single submitter. Criteria: CeGaT Center For Human Genetics Tuebingen Variant Classification Criteria Version 2. Collection method: clinical testing. Allele origin: germline. Affected: yes. Observed: 1 variant allele.
Comment: LOXHD1: PM2, BP4